The following is an entry in ClinVar:

NM_000890.5(KCNJ5):c.1074C>A (p.Asn358Lys)

Gene: KCNJ5 (potassium inwardly rectifying channel subfamily J member 5; plus strand). Cytogenetic location: 11q24.3.
Variant type: single nucleotide variant.
Coding change: c.1074C>A on transcript NM_000890.5 (MANE Select); coding-DNA position 1074, C replaced by A.
Protein change: p.Asn358Lys; replaces asparagine 358 with lysine.
Molecular consequence: missense variant.
Genome position (GRCh38, 1-based): chr11:128,916,545, C>A. VCF-style: chr11-128916545-C-A. GRCh37 (hg19) VCF-style: chr11-128786440-C-A.
Other names: c.1074C>A, p.Asn358Lys (NM_001354169.2); short protein forms N358K.
Identifiers: ClinVar variation 1450390 (VCV001450390.8), dbSNP rs2136003967, ClinGen allele CA383235862.

ClinVar aggregate classification (germline): Uncertain significance (1 of 4 stars; one submission).

Conditions:
Long QT syndrome (LQTS). Identifiers: MedGen C0023976, MeSH D008133, MONDO:0002442. Disease mechanism: loss of function. Inheritance: Various modes of inheritance.

Allele frequency attached by ClinVar (database versions not stated): gnomAD exomes 0.00001.
gnomAD v4.1: 6 of 1,614,202 alleles (0.00037%); highest among the groups gnomAD compares: Non-Finnish European, 0.00051%; no homozygotes.

Submission:

Labcorp Genetics (formerly Invitae), Labcorp
Classification: Uncertain significance for Long QT syndrome. Last evaluated: 2024-10-22. Review status: criteria provided, single submitter. Criteria: Invitae Variant Classification Sherloc (09022015). Collection method: clinical testing. Allele origin: germline.
Comment: This sequence change replaces asparagine, which is neutral and polar, with lysine, which is basic and polar, at codon 358 of the KCNJ5 protein (p.Asn358Lys). This variant is not present in population databases (gnomAD no frequency). This variant has not been reported in the literature in individuals affected with KCNJ5-related conditions. ClinVar contains an entry for this variant (Variation ID: 1450390). Invitae Evidence Modeling of protein sequence and biophysical properties (such as structural, functional, and spatial information, amino acid conservation, physicochemical variation, residue mobility, and thermodynamic stability) indicates that this missense variant is not expected to disrupt KCNJ5 protein function with a negative predictive value of 80%. In summary, the available evidence is currently insufficient to determine the role of this variant in disease. Therefore, it has been classified as a Variant of Uncertain Significance.